The following is an entry in ClinVar:

NM_005188.4(CBL):c.1927C>G (p.Leu643Val)

Gene: CBL (Cbl proto-oncogene; plus strand). Cytogenetic location: 11q23.3.
Variant type: single nucleotide variant.
Coding change: c.1927C>G on transcript NM_005188.4 (MANE Select); coding-DNA position 1927, C replaced by G.
Protein change: p.Leu643Val; replaces leucine 643 with valine.
Molecular consequence: missense variant.
Genome position (GRCh38, 1-based): chr11:119,285,552, C>G. VCF-style: chr11-119285552-C-G. GRCh37 (hg19) VCF-style: chr11-119156262-C-G.
Other names: c.1927C>G (NM_005188.2); short protein forms L643V.
Identifiers: ClinVar variation 3634398 (VCV003634398.3).

ClinVar aggregate classification (germline): Uncertain significance. Review status: criteria provided, multiple submitters, no conflicts (2 of 4 stars). 2 submissions from 2 submitters: Uncertain significance (2). Last evaluated 2025-08-12.

Conditions:
Cardiovascular phenotype. Identifiers: MedGen CN230736.
RASopathy. Also called: rasopathies; Noonan spectrum disorder. Identifiers: Orphanet 536391, MedGen C5555857, MONDO:0021060.

Submissions (2):

Ambry Genetics
Classification: Uncertain significance for Cardiovascular phenotype. Last evaluated: 2025-08-12. Review status: criteria provided, single submitter. Criteria: Ambry Variant Classification Scheme 2023. Collection method: clinical testing. Allele origin: germline.
Comment: The p.L643V variant (also known as c.1927C>G), located in coding exon 11 of the CBL gene, results from a C to G substitution at nucleotide position 1927. The leucine at codon 643 is replaced by valine, an amino acid with highly similar properties. This amino acid position is conserved. In addition, this alteration is predicted to be tolerated by in silico analysis. Based on the available evidence, the clinical significance of this variant remains unclear.

Labcorp Genetics (formerly Invitae), Labcorp
Classification: Uncertain significance for RASopathy. Last evaluated: 2024-11-25. Review status: criteria provided, single submitter. Criteria: Invitae Variant Classification Sherloc (09022015). Collection method: clinical testing. Allele origin: germline.
Comment: This sequence change replaces leucine, which is neutral and non-polar, with valine, which is neutral and non-polar, at codon 643 of the CBL protein (p.Leu643Val). This variant is not present in population databases (gnomAD no frequency). This variant has not been reported in the literature in individuals affected with CBL-related conditions. Invitae Evidence Modeling of protein sequence and biophysical properties (such as structural, functional, and spatial information, amino acid conservation, physicochemical variation, residue mobility, and thermodynamic stability) indicates that this missense variant is not expected to disrupt CBL protein function with a negative predictive value of 95%. In summary, the available evidence is currently insufficient to determine the role of this variant in disease. Therefore, it has been classified as a Variant of Uncertain Significance.